The following is an entry in ClinVar:

ClinVar aggregate classification (germline): Likely pathogenic (1 of 4 stars; one submission).

Conditions:
ALG8 congenital disorder of glycosylation. Also called: CONGENITAL DISORDER OF GLYCOSYLATION, TYPE Ih; CDG Ih; ALG8-CDG. Identifiers: Orphanet 79325, MedGen C2931002, MONDO:0011969, OMIM 608104.

gnomAD v4.1: 6 of 1,612,766 alleles (0.00037%); highest among the groups gnomAD compares: Non-Finnish European, 0.00051%; no homozygotes.

Submission:

Labcorp Genetics (formerly Invitae), Labcorp
Classification: Likely pathogenic for ALG8 congenital disorder of glycosylation. Last evaluated: 2025-10-24. Review status: criteria provided, single submitter. Criteria: Invitae Variant Classification Sherloc (09022015). Collection method: clinical testing. Allele origin: germline.
Comment: This sequence change affects an acceptor splice site in intron 8 of the ALG8 gene. It is expected to disrupt RNA splicing. Variants that disrupt the donor or acceptor splice site typically lead to a loss of protein function (PMID: 16199547), and loss-of-function variants in ALG8 are known to be pathogenic (PMID: 19862844). This variant is not present in population databases (gnomAD no frequency). This variant has not been reported in the literature in individuals affected with ALG8-related conditions. Algorithms developed to predict the effect of sequence changes on RNA splicing suggest that this variant may disrupt the consensus splice site. In summary, the currently available evidence indicates that the variant is pathogenic, but additional data are needed to prove that conclusively. Therefore, this variant has been classified as Likely Pathogenic.

Literature cited by the submitters: PubMed 16199547; PubMed 19862844.

NM_024079.5(ALG8):c.899-1G>A

Gene: ALG8 (ALG8 alpha-1,3-glucosyltransferase; minus strand). Cytogenetic location: 11q14.1.
Variant type: single nucleotide variant.
Coding change: c.899-1G>A on transcript NM_024079.5 (MANE Select); the canonical splice acceptor site of the intron before coding-DNA position 899, G replaced by A.
Molecular consequence: splice acceptor variant. On other transcripts: intron variant (8).
Genome position (GRCh38, 1-based): chr11:78,109,582, C>T on the plus strand (G>A on the coding strand, the complement: ALG8 is on the minus strand). VCF-style: chr11-78109582-C-T. GRCh37 (hg19) VCF-style: chr11-77820628-C-T.
Other names: c.635-1G>A (NM_001425234.1, NM_001425239.1); c.698-1G>A (NM_001425231.1); c.746-2670G>A (NM_001425235.1); c.746-1G>A (NM_001425226.1, NM_001425236.1); c.884-1G>A (NM_001425220.1); c.383-1G>A (NM_001425241.1); c.547-2636G>A (NM_001425240.1); c.344-1G>A (NM_001425242.1); and 9 more.
Identifiers: ClinVar variation 4798863 (VCV004798863.1).